The following is an entry in ClinVar:

ClinVar aggregate classification (germline): Uncertain significance (1 of 4 stars; one submission).

Submission:

Labcorp Genetics (formerly Invitae), Labcorp
Classification: Uncertain significance. Last evaluated: 2024-01-29. Review status: criteria provided, single submitter. Criteria: Invitae Variant Classification Sherloc (09022015). Collection method: clinical testing. Allele origin: germline.
Comment: This sequence change affects codon 44 of the WNT1 mRNA. It is a 'silent' change, meaning that it does not change the encoded amino acid sequence of the WNT1 protein. This variant is not present in population databases (gnomAD no frequency). This variant has not been reported in the literature in individuals affected with WNT1-related conditions. Algorithms developed to predict the effect of sequence changes on RNA splicing suggest that this variant may disrupt the consensus splice site. In summary, the available evidence is currently insufficient to determine the role of this variant in disease. Therefore, it has been classified as a Variant of Uncertain Significance.

NM_005430.4(WNT1):c.132G>A (p.Thr44=)

Gene: WNT1 (Wnt family member 1; plus strand). Cytogenetic location: 12q13.12.
Variant type: single nucleotide variant.
Coding change: c.132G>A on transcript NM_005430.4 (MANE Select); coding-DNA position 132, G replaced by A.
Protein change: p.Thr44=; no amino-acid change (threonine 44 retained).
Molecular consequence: synonymous variant.
Genome position (GRCh38, 1-based): chr12:48,979,495, G>A. VCF-style: chr12-48979495-G-A. GRCh37 (hg19) VCF-style: chr12-49373278-G-A.
Identifiers: ClinVar variation 2787524 (VCV002787524.3), dbSNP rs2498946212, ClinGen allele CA479511764.